The following is an entry in ClinVar:

NM_172107.4(KCNQ2):c.1051C>G (p.Leu351Val)

Gene: KCNQ2 (potassium voltage-gated channel subfamily Q member 2; minus strand). Cytogenetic location: 20q13.33.
Variant type: single nucleotide variant.
Coding change: c.1051C>G on transcript NM_172107.4 (MANE Select); coding-DNA position 1051, C replaced by G.
Protein change: p.Leu351Val; replaces leucine 351 with valine.
Molecular consequence: missense variant.
Genome position (GRCh38, 1-based): chr20:63,433,876, G>C on the plus strand (C>G on the coding strand, the complement: KCNQ2 is on the minus strand). VCF-style: chr20-63433876-G-C. GRCh37 (hg19) VCF-style: chr20-62065229-G-C.
Other names: p. Leu351Val; c.1051C>G, p.Leu351Val (NM_001382235.1, NM_004518.6, NM_172106.3 and 2 more transcripts); short protein forms L351V.
Identifiers: ClinVar variation 369778 (VCV000369778.3), dbSNP rs1057516106, ClinGen allele CA10654801.

ClinVar aggregate classification (germline): Likely pathogenic. Review status: criteria provided, single submitter (1 of 4 stars). 2 submissions from 2 submitters: Likely pathogenic (1). 1 of the submissions does not count toward it. Last evaluated 2018-09-28.

Conditions:
Epilepsy, benign neonatal, 1, and/or myokymia.
Seizures, benign familial neonatal, 1. Also called: KCNQ2-Related Benign Familial Neonatal Epilepsy; Benign Neonatal Epilepsy 1; KCNQ2-Related Self-Limited Familial Neonatal Epilepsy (SLFNE); Seizures, benign neonatal, 1. Identifiers: Orphanet 1949, MedGen C3149074, MONDO:0007365, OMIM 121200.

Submissions (2):

Rady Children's Institute for Genomic Medicine, Rady Children's Hospital San Diego
Classification: Likely pathogenic for EPILEPSY, BENIGN NEONATAL, 1, AND/OR MYOKYMIA. Last evaluated: 2018-09-28. Review status: criteria provided, single submitter. Criteria: ACMG Guidelines, 2015. Collection method: clinical testing. Allele origin: germline. Affected: yes. Observed: 1 variant allele.
Comment: This variant has been previously reported as heterozygous change in multiple related individuals affected with benign familial neonatal epilepsy (PMID: 24375629). Functional studies indicate that the p.Leu351Val variant has a mild to moderate effect on protein function (PMID: 26073431, 24375629). The variant is absent from the ExAC and gnomAD population databases and thus is presumed to be rare. In silico analyses support a deleterious effect of the c.1051C>G (p.Leu351Val) variant on protein function. Based on the available evidence, the c.1051C>G (p.Leu351Val) variant is classified as likely pathogenic.

GeneReviews
No classification provided. Condition: Seizures, benign familial neonatal, 1. Review status: no classification provided. Collection method: literature only. Allele origin: germline. Affected: yes. Not counted in ClinVar's aggregate classification.
Comment: BFNE (benign familial neonatal epilepsy)

Functional effect: CHO: no effect on maximal current (in homomers or heteromers); slightly reduced Syx effects

Literature cited by the submitters: PubMed 24375629 (cited by GeneReviews); NCBI Bookshelf NBK32534 (cited by GeneReviews).